The following is an entry in ClinVar:

ClinVar aggregate classification (germline): Benign/Likely benign. Review status: criteria provided, multiple submitters, no conflicts (2 of 4 stars). 6 submissions from 6 submitters: Benign (3); Likely benign (1). 2 of the submissions do not count toward it. Last evaluated 2026-09-01.

Conditions:
NIK deficiency. Also called: Primary immunodeficiency with multifaceted aberrant lymphoid immunity. Identifiers: Orphanet 447731, MedGen C5680065, MONDO:0018642.

Allele frequency attached by ClinVar (database versions not stated): ESP Exome Variant Server 0.00155; TOPMed 0.00155; 1000 Genomes Project 30x 0.00156; 1000 Genomes Project 0.00180; ExAC 0.00279; gnomAD 0.00280 and 0.00295.
gnomAD v4.1: 2,378 of 1,613,530 alleles (0.15%); highest among the groups gnomAD compares: African/African-American, 0.42%; 18 homozygotes.

Submissions (6):

CeGaT Center for Human Genetics Tuebingen
Classification: Likely benign. Last evaluated: 2026-09-01. Review status: criteria provided, single submitter. Criteria: CeGaT Center For Human Genetics Tuebingen Variant Classification Criteria Version 2. Collection method: clinical testing. Allele origin: germline. Affected: yes. Observed: 3 variant alleles.
Comment: MAP3K14: BP4, BP7

Women's Health and Genetics/Laboratory Corporation of America, LabCorp
Classification: Benign. Last evaluated: 2026-04-23. Review status: criteria provided, single submitter. Criteria: LabCorp Variant Classification Summary - May 2015. Collection method: clinical testing. Allele origin: germline.
Comment: Variant summary: MAP3K14 c.114C>T alters a conserved nucleotide resulting in a synonymous change. Consensus agreement among computation tools predict no significant impact on normal splicing. However, these predictions have yet to be confirmed by functional studies. The variant allele was found at a frequency of 0.0026 in 249292 control chromosomes in the gnomAD database, including 10 homozygotes. The observed variant frequency exceeds the estimated maximal expected allele frequency for disease-causing variants in MAP3K14, providing supporting evidence for a benign role. To our knowledge, no occurrence of c.114C>T in individuals affected with MAP3K14-related conditions and no experimental evidence demonstrating its impact on protein function have been reported. ClinVar contains an entry for this variant (Variation ID: 708557). Based on the evidence outlined above, the variant was classified as benign.

Labcorp Genetics (formerly Invitae), Labcorp
Classification: Benign for NIK deficiency. Last evaluated: 2026-01-26. Review status: criteria provided, single submitter. Criteria: Invitae Variant Classification Sherloc (09022015). Collection method: clinical testing. Allele origin: germline.

ARUP Laboratories, Molecular Genetics and Genomics, ARUP Laboratories
Classification: Benign. Last evaluated: 2023-10-09. Review status: criteria provided, single submitter. Criteria: ARUP Molecular Germline Variant Investigation Process 2024. Collection method: clinical testing. Allele origin: germline.

Clinical Genetics DNA and cytogenetics Diagnostics Lab, Erasmus MC, Erasmus Medical Center
Classification: Likely benign. Review status: no assertion criteria provided. Collection method: clinical testing. Allele origin: germline. Affected: yes. Study: VKGL Data-share Consensus. Not counted in ClinVar's aggregate classification.

Genome Diagnostics Laboratory, University Medical Center Utrecht
Classification: Likely benign. Review status: no assertion criteria provided. Collection method: clinical testing. Allele origin: germline. Affected: yes. Study: VKGL Data-share Consensus. Not counted in ClinVar's aggregate classification.

NM_003954.5(MAP3K14):c.114C>T (p.Ser38=)

Gene: MAP3K14 (mitogen-activated protein kinase kinase kinase 14; minus strand). Cytogenetic location: 17q21.31.
Variant type: single nucleotide variant.
Coding change: c.114C>T on transcript NM_003954.5 (MANE Select); coding-DNA position 114, C replaced by T.
Protein change: p.Ser38=; no amino-acid change (serine 38 retained).
Molecular consequence: synonymous variant.
Genome position (GRCh38, 1-based): chr17:45,290,632, G>A on the plus strand (C>T on the coding strand, the complement: MAP3K14 is on the minus strand). VCF-style: chr17-45290632-G-A. GRCh37 (hg19) VCF-style: chr17-43367998-G-A.
Identifiers: ClinVar variation 708557 (VCV000708557.41), dbSNP rs143313926, ClinGen allele CA8614450.